The following is an entry in ClinVar:

ClinVar aggregate classification (germline): Uncertain significance (1 of 4 stars; one submission).

Allele frequency attached by ClinVar (database versions not stated): ExAC 0.00001; gnomAD 0.00001; gnomAD exomes 0.00001; TOPMed 0.00001; ESP Exome Variant Server 0.00008.
gnomAD v4.1: 12 of 1,614,022 alleles (0.00074%); highest among the groups gnomAD compares: African/African-American, 0.0027%; no homozygotes.

Submission:

Ambry Genetics
Classification: Uncertain significance. Last evaluated: 2025-03-02. Review status: criteria provided, single submitter. Criteria: Ambry Variant Classification Scheme 2023. Collection method: clinical testing. Allele origin: germline.
Comment: The p.K124E variant (also known as c.370A>G), located in coding exon 1 of the CDK12 gene, results from an A to G substitution at nucleotide position 370. The lysine at codon 124 is replaced by glutamic acid, an amino acid with similar properties. This amino acid position is conserved. In addition, this alteration is predicted to be tolerated by in silico analysis. Based on the available evidence, the clinical significance of this variant remains unclear.

NM_016507.4(CDK12):c.370A>G (p.Lys124Glu)

Genes: CDK12 (cyclin dependent kinase 12; plus strand), LOC126862553 (CDK7 strongly-dependent group 2 enhancer GRCh37_chr17:37618166-37619365; plus strand). Cytogenetic location: 17q12.
Variant type: single nucleotide variant.
Coding change: c.370A>G on transcript NM_016507.4 (MANE Select); coding-DNA position 370, A replaced by G.
Protein change: p.Lys124Glu; replaces lysine 124 with glutamic acid.
Molecular consequence: missense variant.
Genome position (GRCh38, 1-based): chr17:39,462,441, A>G. VCF-style: chr17-39462441-A-G. GRCh37 (hg19) VCF-style: chr17-37618694-A-G.
Other names: c.370A>G, p.Lys124Glu (NM_015083.4); short protein forms K124E.
Identifiers: ClinVar variation 2382243 (VCV002382243.3), dbSNP rs377586655, ClinGen allele CA8530964.
Genomic context (GRCh38, chr17:39,462,441, plus strand): 5'-CGGAGCGACCGCCTGCACAAACATCGTCACCACCAGCACAGGCGTTCCCGGGACTTACTA[A>G]AAGCTAAACAGACCGAAAAAGAAAAAAGCCAAGAAGTCTCCAGCAAGTCGGGATCGATGA-3'
Protein context (NP_057591.2, residues 114-134): HQHRRSRDLL[Lys124Glu]AKQTEKEKSQ